The following is an entry in ClinVar:

ClinVar aggregate classification (germline): Uncertain significance (1 of 4 stars; one submission).

Allele frequency attached by ClinVar (database versions not stated): gnomAD exomes below 0.00001; ExAC 0.00001; ESP Exome Variant Server 0.00008.
gnomAD v4.1: 6 of 1,611,988 alleles (0.00037%); highest among the groups gnomAD compares: Non-Finnish European, 0.00051%; no homozygotes.

Submission:

Labcorp Genetics (formerly Invitae), Labcorp
Classification: Uncertain significance. Last evaluated: 2025-10-24. Review status: criteria provided, single submitter. Criteria: Invitae Variant Classification Sherloc (09022015). Collection method: clinical testing. Allele origin: germline.
Comment: This sequence change falls in intron 27 of the COL11A1 gene. It does not directly change the encoded amino acid sequence of the COL11A1 protein. It affects a nucleotide within the consensus splice site. This variant is not present in population databases (gnomAD no frequency). This variant has not been reported in the literature in individuals affected with COL11A1-related conditions. ClinVar contains an entry for this variant (Variation ID: 2715775). Variants that disrupt the consensus splice site are a relatively common cause of aberrant splicing (PMID: 17576681, 9536098). Algorithms developed to predict the effect of sequence changes on RNA splicing suggest that this variant is not likely to affect RNA splicing. In summary, the available evidence is currently insufficient to determine the role of this variant in disease. Therefore, it has been classified as a Variant of Uncertain Significance.

Literature cited by the submitters: PubMed 17576681; PubMed 9536098.

NM_001854.4(COL11A1):c.2296-3C>T

Gene: COL11A1 (collagen type XI alpha 1 chain; minus strand). Cytogenetic location: 1p21.1.
Variant type: single nucleotide variant.
Coding change: c.2296-3C>T on transcript NM_001854.4 (MANE Select); 3 bases into the intron before coding-DNA position 2296, C replaced by T.
Molecular consequence: intron variant.
Genome position (GRCh38, 1-based): chr1:102,995,911, G>A on the plus strand (C>T on the coding strand, the complement: COL11A1 is on the minus strand). VCF-style: chr1-102995911-G-A. GRCh37 (hg19) VCF-style: chr1-103461467-G-A.
Other names: c.2179-3C>T (NM_001190709.2); c.2332-3C>T (NM_080629.3); c.1948-3C>T (NM_080630.4).
Identifiers: ClinVar variation 2715775 (VCV002715775.3), dbSNP rs375665732, ClinGen allele CA974489.